The following is an entry in ClinVar:

NM_001128840.3(CACNA1D):c.4495del (p.Arg1499fs)

Gene: CACNA1D (calcium voltage-gated channel subunit alpha1 D; plus strand). Cytogenetic location: 3p21.1.
Variant type: Deletion.
Coding change: c.4495del on transcript NM_001128840.3 (MANE Select); coding-DNA position 4495, one base deleted (A; older notation c.4495delA).
Protein change: p.Arg1499fs; shifts the reading frame from arginine 1499.
Molecular consequence: frameshift variant.
Genome position (GRCh38, 1-based): chr3:53,776,864, A deleted; the last of 2 consecutive A bases (chr3:53,776,863-53,776,864); deleting either gives the same sequence. VCF-style (leftmost placement, unchanged base first): chr3-53776862-GA-G. GRCh37 (hg19) VCF-style: chr3-53810889-GA-G.
Other names: c.4555del, p.Arg1519fs (NM_000720.4); c.4450del, p.Arg1484fs (NM_001128839.3); short protein forms R1484fs, R1499fs, R1519fs.
Identifiers: ClinVar variation 1806514 (VCV001806514.1), dbSNP rs2474256842, ClinGen allele CA2580070297.

ClinVar aggregate classification (germline): Uncertain significance (1 of 4 stars; one submission).

Submission:

GeneDx
Classification: Uncertain significance. Last evaluated: 2022-06-23. Review status: criteria provided, single submitter. Criteria: GeneDx Variant Classification Process June 2021. Collection method: clinical testing. Allele origin: germline. Affected: yes.
Comment: Not observed at significant frequency in large population cohorts (gnomAD); Frameshift variant predicted to result in protein truncation or nonsense mediated decay in a gene or region of a gene for which loss of function is not a well-established mechanism of disease; Has not been previously published as pathogenic or benign to our knowledge